The following is an entry in ClinVar:

ClinVar aggregate classification (germline): Uncertain significance (1 of 4 stars; one submission).

Submission:

Labcorp Genetics (formerly Invitae), Labcorp
Classification: Uncertain significance. Last evaluated: 2022-11-14. Review status: criteria provided, single submitter. Criteria: Invitae Variant Classification Sherloc (09022015). Collection method: clinical testing. Allele origin: germline.
Comment: In summary, the available evidence is currently insufficient to determine the role of this variant in disease. Therefore, it has been classified as a Variant of Uncertain Significance. Variants that disrupt the consensus splice site are a relatively common cause of aberrant splicing (PMID: 17576681, 9536098). Algorithms developed to predict the effect of sequence changes on RNA splicing suggest that this variant may create or strengthen a splice site. This variant has not been reported in the literature in individuals affected with COL2A1-related conditions. This variant is not present in population databases (gnomAD no frequency). This sequence change falls in intron 31 of the COL2A1 gene. It does not directly change the encoded amino acid sequence of the COL2A1 protein. It affects a nucleotide within the consensus splice site.

Literature cited by the submitters: PubMed 17576681; PubMed 9536098.

NM_001844.5(COL2A1):c.2049+4_2049+9del

Gene: COL2A1 (collagen type II alpha 1 chain; minus strand). Cytogenetic location: 12q13.11.
Variant type: Deletion.
Coding change: c.2049+4_2049+9del on transcript NM_001844.5 (MANE Select); bases 4 to 9 of the intron after coding-DNA position 2049, 6 bases deleted (AGTATG; older notation c.2049+4_2049+9delAGTATG).
Molecular consequence: splice donor variant.
Genome position (GRCh38, 1-based): chr12:47,983,376-47,983,381, CATACT deleted on the plus strand (AGTATG on the coding strand, the reverse complement: COL2A1 is on the minus strand); deleting any 6 consecutive bases within chr12:47,983,376-47,983,383 gives the same sequence; the c. name uses the placement nearest the transcript's 3' end. VCF-style (leftmost placement, unchanged base first): chr12-47983375-CCATACT-C. GRCh37 (hg19) VCF-style: chr12-48377158-CCATACT-C.
Other names: c.1842+4_1842+9del (NM_033150.3).
Identifiers: ClinVar variation 2814287 (VCV002814287.3), dbSNP rs2540138187, ClinGen allele CA2739271989.